The following is an entry in ClinVar:

ClinVar aggregate classification (germline): Uncertain significance (1 of 4 stars; one submission).

Submission:

Labcorp Genetics (formerly Invitae), Labcorp
Classification: Uncertain significance. Last evaluated: 2023-02-19. Review status: criteria provided, single submitter. Criteria: Invitae Variant Classification Sherloc (09022015). Collection method: clinical testing. Allele origin: germline.
Comment: In summary, the available evidence is currently insufficient to determine the role of this variant in disease. Therefore, it has been classified as a Variant of Uncertain Significance. Algorithms developed to predict the effect of missense changes on protein structure and function output the following: SIFT: "Not Available"; PolyPhen-2: "Benign"; Align-GVGD: "Not Available". The valine amino acid residue is found in multiple mammalian species, which suggests that this missense change does not adversely affect protein function. This variant has not been reported in the literature in individuals affected with ITGAM-related conditions. This variant is not present in population databases (gnomAD no frequency). This sequence change replaces isoleucine, which is neutral and non-polar, with valine, which is neutral and non-polar, at codon 429 of the ITGAM protein (p.Ile429Val).

NM_000632.4(ITGAM):c.1285A>G (p.Ile429Val)

Gene: ITGAM (integrin subunit alpha M; plus strand). Cytogenetic location: 16p11.2.
Variant type: single nucleotide variant.
Coding change: c.1285A>G on transcript NM_000632.4 (MANE Select); coding-DNA position 1285, A replaced by G.
Protein change: p.Ile429Val; replaces isoleucine 429 with valine.
Molecular consequence: missense variant.
Genome position (GRCh38, 1-based): chr16:31,278,038, A>G. VCF-style: chr16-31278038-A-G. GRCh37 (hg19) VCF-style: chr16-31289359-A-G.
Other names: c.1285A>G, p.Ile429Val (NM_001145808.2); short protein forms I429V.
Identifiers: ClinVar variation 2838972 (VCV002838972.3), dbSNP rs2544400223, ClinGen allele CA395702300.